The following is an entry in ClinVar:

NM_003737.4(DCHS1):c.2755C>G (p.Leu919Val)

Gene: DCHS1 (dachsous cadherin-related 1; minus strand). Cytogenetic location: 11p15.4.
Variant type: single nucleotide variant.
Coding change: c.2755C>G on transcript NM_003737.4 (MANE Select); coding-DNA position 2755, C replaced by G.
Protein change: p.Leu919Val; replaces leucine 919 with valine.
Molecular consequence: missense variant.
Genome position (GRCh38, 1-based): chr11:6,632,757, G>C on the plus strand (C>G on the coding strand, the complement: DCHS1 is on the minus strand). VCF-style: chr11-6632757-G-C. GRCh37 (hg19) VCF-style: chr11-6653988-G-C.
Other names: short protein forms L919V.
Identifiers: ClinVar variation 4748884 (VCV004748884.1).

ClinVar aggregate classification (germline): Uncertain significance (1 of 4 stars; one submission).

gnomAD v4.1: 12 of 1,612,666 alleles (0.00074%); highest among the groups gnomAD compares: African/African-American, 0.0013%; no homozygotes.

Submission:

Labcorp Genetics (formerly Invitae), Labcorp
Classification: Uncertain significance. Last evaluated: 2025-03-16. Review status: criteria provided, single submitter. Criteria: Invitae Variant Classification Sherloc (09022015). Collection method: clinical testing. Allele origin: germline.
Comment: This sequence change replaces leucine, which is neutral and non-polar, with valine, which is neutral and non-polar, at codon 919 of the DCHS1 protein (p.Leu919Val). This variant is present in population databases (no rsID available, gnomAD 0.002%). This variant has not been reported in the literature in individuals affected with DCHS1-related conditions. Invitae Evidence Modeling of protein sequence and biophysical properties (such as structural, functional, and spatial information, amino acid conservation, physicochemical variation, residue mobility, and thermodynamic stability) indicates that this missense variant is not expected to disrupt DCHS1 protein function with a negative predictive value of 95%. In summary, the available evidence is currently insufficient to determine the role of this variant in disease. Therefore, it has been classified as a Variant of Uncertain Significance.